The following is an entry in ClinVar:

NM_000540.3(RYR1):c.11021T>C (p.Ile3674Thr)

Gene: RYR1 (ryanodine receptor 1; plus strand). Cytogenetic location: 19q13.2.
Variant type: single nucleotide variant.
Coding change: c.11021T>C on transcript NM_000540.3 (MANE Select); coding-DNA position 11021, T replaced by C.
Protein change: p.Ile3674Thr; replaces isoleucine 3674 with threonine.
Molecular consequence: missense variant.
Genome position (GRCh38, 1-based): chr19:38,528,682, T>C. VCF-style: chr19-38528682-T-C. GRCh37 (hg19) VCF-style: chr19-39019322-T-C.
Other names: c.11006T>C, p.Ile3669Thr (NM_001042723.2); short protein forms I3669T, I3674T.
Identifiers: ClinVar variation 3069934 (VCV003069934.5), dbSNP rs762640174, ClinGen allele CA055572.
Genomic context (GRCh38, chr19:38,528,682, plus strand): 5'-TGGAGAGCTACAAGGCTGCATGGATCCTGACTGAAGACCACAGTTTTGAGGACCGCATGA[T>C]AGATGACCTTTCAGTGAGCTGGGACCCGCCTGGGGGAGTGGGGGGCGAGCTGGATAGGGC-3'
Protein context (NP_000531.2, residues 3664-3684): TEDHSFEDRM[Ile3674Thr]DDLSKAGEQE

ClinVar aggregate classification (germline): Uncertain significance. Review status: criteria provided, multiple submitters, no conflicts (2 of 4 stars). 3 submissions from 3 submitters: Uncertain significance (3). Last evaluated 2026-06-01.

Conditions:
Central core myopathy (CMYO1A). Also called: CONGENITAL MYOPATHY 1A, AUTOSOMAL DOMINANT, WITH SUSCEPTIBILITY TO MALIGNANT HYPERTHERMIA; Central core disease; Myopathy, central fibrillar. Identifiers: Orphanet 597, MedGen C5830701, MONDO:0007294, OMIM 117000.
Malignant hyperthermia, susceptibility to, 1 (MHS1). Also called: Anesthesia related hyperthermia; Malignant hyperpyrexia; Fulminating hyperpyrexia; Pharmacogenic myopathy; RYR1-Related Malignant Hyperthermia Susceptibility; Malignant hyperthermia suceptibility 1. Identifiers: Orphanet 423, MedGen C2930980, MONDO:0007783, OMIM 145600.

Allele frequency attached by ClinVar (database versions not stated): ExAC 0.00001; gnomAD 0.00001; gnomAD exomes 0.00001.
gnomAD v4.1: 17 of 1,614,042 alleles (0.0011%); highest among the groups gnomAD compares: East Asian, 0.0045%; no homozygotes.

Submissions (3):

CeGaT Center for Human Genetics Tuebingen
Classification: Uncertain significance. Last evaluated: 2026-06-01. Review status: criteria provided, single submitter. Criteria: CeGaT Center For Human Genetics Tuebingen Variant Classification Criteria Version 2. Collection method: clinical testing. Allele origin: germline. Affected: yes. Observed: 1 variant allele.
Comment: RYR1: PM2, PP3

All of Us Research Program, National Institutes of Health
Classification: Uncertain significance for Malignant hyperthermia, susceptibility to, 1. Last evaluated: 2024-05-30. Review status: criteria provided, single submitter. Criteria: ACMG Guidelines, 2015. Collection method: clinical testing. Allele origin: germline. Inheritance: Autosomal dominant inheritance. Observed: 4 variant alleles, 4 heterozygotes.
Comment: This missense variant replaces isoleucine with threonine at codon 3674 of the RYR1 protein. Computational prediction suggests that this variant may have deleterious impact on protein structure and function (internally defined REVEL score threshold >= 0.7, PMID: 27666373). To our knowledge, functional studies have not been reported for this variant. This variant has not been reported in individuals affected with RYR1-related disorders in the literature. This variant has been identified in 6/251414 chromosomes in the general population by the Genome Aggregation Database (gnomAD). The available evidence is insufficient to determine the role of this variant in disease conclusively. Therefore, this variant is classified as a Variant of Uncertain Significance.

This study involves interpretation of variants in research participants for the purpose of population health screening. Participant phenotype was not available at the time of variant classification. Additional details can be found in publication PMID: 35346344, PMCID: PMC8962531

Victorian Clinical Genetics Services, Murdoch Childrens Research Institute
Classification: Uncertain significance for Central core myopathy. Last evaluated: 2022-03-31. Review status: criteria provided, single submitter. Criteria: ACMG Guidelines, 2015. Collection method: clinical testing. Allele origin: germline.
Comment: Based on the classification scheme VCGS_Germline_v1.3.4, this variant is classified as VUS-3A. Following criteria are met: 0103 - Loss of function and gain of function are known mechanisms of disease in this gene. Variants exerting a loss of function effect are associated with autosomal recessive minicore myopathy with external ophthalmoplegia (MIM#255320), central core disease and neuromuscular disease, congenital, with uniform type 1 fiber (MIM#117000). Gain of function is associated with autosomal dominant King-Denborough syndrome (MIM#619542), malignant hyperthermia susceptibility (MIM#145600), central core disease and neuromuscular disease, congenital, with uniform type 1 fiber (MIM#117000) (PMID: 23919265, 27855725, 27858745, 30155320). (I) 0108 - This gene is associated with both recessive and dominant disease. (I) 0200 - Variant is predicted to result in a missense amino acid change from isoleucine to threonine. (I) 0251 - This variant is heterozygous. (I) 0304 - Variant is present in gnomAD <0.01 (v2: 6 heterozygotes, 0 homozygotes). (SP) 0309 - An alternative amino acid change at the same position has been observed in gnomAD (v2: 1 heterozygote, 0 homozygotes). (I) 0502 - Missense variant with conflicting in silico predictions and high conservation. (I) 0604 - Variant is not located in an established domain, motif, hotspot or informative constraint region. (I) 0710 - Another variant comparable to the one identified in this case has inconclusive previous evidence for pathogenicity. p.(Ile3674Val) has been classified as a VUS by a diagnostic laboratory in ClinVar. (I) 0803 - This variant has limited previous evidence of pathogenicity in an unrelated individual. In a cohort of individuals with neuromuscular disorders, this variant was listed as causative however, additional details such as clinical information and zygosity were not provided (PMID: 32528171). (SP) 0905 - No published segregation evidence has been identified for this variant. (I) 1007 - No published functional evidence has been identified for this variant. (I) 1208 - Inheritance information for this variant is not currently available in this individual. (I) Legend: (SP) - Supporting pathogenic, (I) - Information, (SB) - Supporting benign

Literature cited by the submitters: PubMed 23919265 (cited by Victorian Clinical Genetics Services, Murdoch Childrens Research Institute); PubMed 27855725 (cited by Victorian Clinical Genetics Services, Murdoch Childrens Research Institute); PubMed 27858745 (cited by Victorian Clinical Genetics Services, Murdoch Childrens Research Institute); PubMed 30155320 (cited by Victorian Clinical Genetics Services, Murdoch Childrens Research Institute); PubMed 32528171 (cited by Victorian Clinical Genetics Services, Murdoch Childrens Research Institute).